The following is an entry in ClinVar:

ClinVar aggregate classification (germline): Uncertain significance. Review status: criteria provided, multiple submitters, no conflicts (2 of 4 stars). 3 submissions from 3 submitters: Uncertain significance (3). Last evaluated 2025-07-17.

Conditions:
Lynch syndrome. Identifiers: Orphanet 144, MedGen C4552100, MONDO:0005835. Disease mechanism: loss of function.
Hereditary nonpolyposis colorectal neoplasms. Identifiers: MedGen C0009405, MeSH D003123.
Hereditary cancer-predisposing syndrome. Also called: Hereditary neoplastic syndrome; Neoplastic Syndromes, Hereditary; Hereditary Cancer Syndrome; Tumor predisposition. Identifiers: Orphanet 140162, MedGen C0027672, MeSH D009386, MONDO:0015356.

Submissions (3):

Color Diagnostics, LLC DBA Color Health
Classification: Uncertain significance for Hereditary cancer-predisposing syndrome. Last evaluated: 2025-07-17. Review status: criteria provided, single submitter. Criteria: ACMG Guidelines, 2015. Collection method: clinical testing. Allele origin: germline.
Comment: This missense variant replaces glutamic acid with glutamine at codon 899 of the MSH6 protein. Computational prediction suggests that this variant may not impact protein structure and function. To our knowledge, functional studies have not been reported for this variant. This variant has not been reported in individuals affected with MSH6-related disorders in the literature. This variant has not been identified in the general population by the Genome Aggregation Database (gnomAD). The available evidence is insufficient to determine the role of this variant in disease conclusively. Therefore, this variant is classified as a Variant of Uncertain Significance.

All of Us Research Program, National Institutes of Health
Classification: Uncertain significance for Lynch syndrome. Last evaluated: 2024-05-09. Review status: criteria provided, single submitter. Criteria: ACMG Guidelines, 2015. Collection method: clinical testing. Allele origin: germline. Inheritance: Autosomal dominant inheritance. Observed: 1 variant allele, 1 heterozygote.
Comment: This study involves interpretation of variants in research participants for the purpose of population health screening. Participant phenotype was not available at the time of variant classification. Additional details can be found in publication PMID: 35346344, PMCID: PMC8962531

Labcorp Genetics (formerly Invitae), Labcorp
Classification: Uncertain significance for Hereditary nonpolyposis colorectal neoplasms. Last evaluated: 2022-08-23. Review status: criteria provided, single submitter. Criteria: Invitae Variant Classification Sherloc (09022015). Collection method: clinical testing. Allele origin: germline.
Comment: In summary, the available evidence is currently insufficient to determine the role of this variant in disease. Therefore, it has been classified as a Variant of Uncertain Significance. Advanced modeling of protein sequence and biophysical properties (such as structural, functional, and spatial information, amino acid conservation, physicochemical variation, residue mobility, and thermodynamic stability) performed at Invitae indicates that this missense variant is not expected to disrupt MSH6 protein function. This variant has not been reported in the literature in individuals affected with MSH6-related conditions. This variant is not present in population databases (gnomAD no frequency). This sequence change replaces glutamic acid, which is acidic and polar, with glutamine, which is neutral and polar, at codon 899 of the MSH6 protein (p.Glu899Gln).

NM_000179.3(MSH6):c.2695G>C (p.Glu899Gln)

Gene: MSH6 (mutS homolog 6; plus strand). Cytogenetic location: 2p16.3.
Variant type: single nucleotide variant.
Coding change: c.2695G>C on transcript NM_000179.3 (MANE Select); coding-DNA position 2695, G replaced by C.
Protein change: p.Glu899Gln; replaces glutamic acid 899 with glutamine.
Molecular consequence: missense variant.
Genome position (GRCh38, 1-based): chr2:47,800,678, G>C. VCF-style: chr2-47800678-G-C. GRCh37 (hg19) VCF-style: chr2-48027817-G-C.
Other names: c.2305G>C, p.Glu769Gln (NM_001281492.2); c.1789G>C, p.Glu597Gln (NM_001281493.2, NM_001281494.2, NM_001406811.1 and 6 more transcripts); c.2791G>C, p.Glu931Gln (NM_001406795.1, NM_001406802.1); c.2695G>C, p.Glu899Gln (NM_001406796.1, NM_001406798.1, NM_001406800.1 and 2 more transcripts); c.2398G>C, p.Glu800Gln (NM_001406797.1, NM_001406801.1, NM_001406805.1 and 10 more transcripts); c.2170G>C, p.Glu724Gln (NM_001406799.1, NM_001406806.1, NM_001406807.1); c.2617G>C, p.Glu873Gln (NM_001406804.1); c.2701G>C, p.Glu901Gln (NM_001406813.1); and 2 more; short protein forms E214Q, E597Q, E724Q, E769Q, E800Q, E843Q, E873Q, E899Q.
Identifiers: ClinVar variation 1717855 (VCV001717855.8), dbSNP rs748574765, ClinGen allele CA346755307.